The following is an entry in ClinVar:

NM_032447.5(FBN3):c.6444C>T (p.Phe2148=)

Gene: FBN3 (fibrillin 3; minus strand). Cytogenetic location: 19p13.2.
Variant type: single nucleotide variant.
Coding change: c.6444C>T on transcript NM_032447.5 (MANE Select); coding-DNA position 6444, C replaced by T.
Protein change: p.Phe2148=; no amino-acid change (phenylalanine 2148 retained).
Molecular consequence: synonymous variant.
Genome position (GRCh38, 1-based): chr19:8,088,112, G>A on the plus strand (C>T on the coding strand, the complement: FBN3 is on the minus strand). VCF-style: chr19-8088112-G-A. GRCh37 (hg19) VCF-style: chr19-8152996-G-A.
Other names: c.6444C>T, p.Phe2148= (NM_001321431.2); c.6444C>T (NM_001321431.1).
Identifiers: ClinVar variation 729032 (VCV000729032.33), dbSNP rs148013574, ClinGen allele CA9151290.

ClinVar aggregate classification (germline): Benign/Likely benign. Review status: criteria provided, multiple submitters, no conflicts (2 of 4 stars). 3 submissions from 3 submitters: Benign (1); Likely benign (1). 1 of the submissions does not count toward it. Last evaluated 2025-11-27.

Conditions:
FBN3-related disorder. Also called: FBN3-related condition.

Allele frequency attached by ClinVar (database versions not stated): 1000 Genomes Project 0.00100; 1000 Genomes Project 30x 0.00109; TOPMed 0.00143; ESP Exome Variant Server 0.00169; gnomAD 0.00183 and 0.00190; gnomAD exomes 0.00206 and 0.00216; ExAC 0.00235.
gnomAD v4.1: 3,415 of 1,614,000 alleles (0.21%); highest among the groups gnomAD compares: Non-Finnish European, 0.23%; 6 homozygotes.

Submissions (3):

Labcorp Genetics (formerly Invitae), Labcorp
Classification: Benign. Last evaluated: 2025-11-27. Review status: criteria provided, single submitter. Criteria: Invitae Variant Classification Sherloc (09022015). Collection method: clinical testing. Allele origin: germline.

CeGaT Center for Human Genetics Tuebingen
Classification: Likely benign. Last evaluated: 2022-11-01. Review status: criteria provided, single submitter. Criteria: CeGaT Center For Human Genetics Tuebingen Variant Classification Criteria Version 2. Collection method: clinical testing. Allele origin: germline. Affected: yes. Observed: 1 variant allele.
Comment: FBN3: BP4, BP7

PreventionGenetics, part of Exact Sciences
Classification: Likely benign for FBN3-related condition. Last evaluated: 2019-09-30. Review status: no assertion criteria provided. Collection method: clinical testing. Allele origin: germline. Not counted in ClinVar's aggregate classification.
Comment: This variant is classified as likely benign based on ACMG/AMP sequence variant interpretation guidelines (Richards et al. 2015 PMID: 25741868, with internal and published modifications).